The following is an entry in ClinVar:

ClinVar aggregate classification (germline): Uncertain significance (1 of 4 stars; one submission).

Submission:

Labcorp Genetics (formerly Invitae), Labcorp
Classification: Uncertain significance. Last evaluated: 2025-04-02. Review status: criteria provided, single submitter. Criteria: Invitae Variant Classification Sherloc (09022015). Collection method: clinical testing. Allele origin: germline.
Comment: This sequence change replaces asparagine, which is neutral and polar, with aspartic acid, which is acidic and polar, at codon 183 of the TNFRSF11B protein (p.Asn183Asp). This variant is not present in population databases (gnomAD no frequency). This variant has not been reported in the literature in individuals affected with TNFRSF11B-related conditions. Invitae Evidence Modeling of protein sequence and biophysical properties (such as structural, functional, and spatial information, amino acid conservation, physicochemical variation, residue mobility, and thermodynamic stability) has been performed for this missense variant. However, the output from this modeling did not meet the statistical confidence thresholds required to predict the impact of this variant on TNFRSF11B protein function. In summary, the available evidence is currently insufficient to determine the role of this variant in disease. Therefore, it has been classified as a Variant of Uncertain Significance.

NM_002546.4(TNFRSF11B):c.547A>G (p.Asn183Asp)

Gene: TNFRSF11B (TNF receptor superfamily member 11b; minus strand). Cytogenetic location: 8q24.12.
Variant type: single nucleotide variant.
Coding change: c.547A>G on transcript NM_002546.4 (MANE Select); coding-DNA position 547, A replaced by G.
Protein change: p.Asn183Asp; replaces asparagine 183 with aspartic acid.
Molecular consequence: missense variant.
Genome position (GRCh38, 1-based): chr8:118,928,783, T>C on the plus strand (A>G on the coding strand, the complement: TNFRSF11B is on the minus strand). VCF-style: chr8-118928783-T-C. GRCh37 (hg19) VCF-style: chr8-119941022-T-C.
Other names: short protein forms N183D.
Identifiers: ClinVar variation 4806748 (VCV004806748.1).
Genomic context (GRCh38, chr8:118,928,783, plus strand): 5'-TTGGAATGTAATTACCTATTCCACATTTTTGAGTTGATTCACTGTTTCCGGAACATATGT[T>C]GTCGTGTGTTGCATTTCCTTTCTGAGTTAGCAGGAGACCAAAGACACTGCAATTTGTGTG-3'
Protein context (NP_002537.3, residues 173-193): LTQKGNATHD[Asn183Asp]ICSGNSESTQ